The following is an entry in ClinVar:

ClinVar aggregate classification (germline): Uncertain significance. Review status: criteria provided, multiple submitters, no conflicts (2 of 4 stars). 2 submissions from 2 submitters: Uncertain significance (2). Last evaluated 2025-05-30.

Conditions:
Bethlem myopathy 1A. Also called: MYOPATHY, BENIGN CONGENITAL, WITH CONTRACTURES; Bethlem myopathy 1; Bethlem Muscular Dystrophy. Identifiers: Orphanet 610, MedGen CN029274, MONDO:0024530, OMIM 158810.
Bethlem myopathy 1B (BTHLM1B). Identifiers: MedGen C5935580, MONDO:0958233, OMIM 620725.

gnomAD v4.1: 4 of 1,608,158 alleles (0.00025%); highest among the groups gnomAD compares: Non-Finnish European, 0.00025%; no homozygotes.

Submissions (2):

Clinical Genetics Laboratory, University Hospital Schleswig-Holstein
Classification: Uncertain significance for Bethlem myopathy 1B. Last evaluated: 2025-05-30. Review status: criteria provided, single submitter. Criteria: ACMG Guidelines, 2015. Collection method: clinical testing. Allele origin: germline. Affected: yes. Observed: 1 heterozygote.
Comment: ACMG criteria applied: PM2, PP4

Labcorp Genetics (formerly Invitae), Labcorp
Classification: Uncertain significance for Bethlem myopathy 1A. Last evaluated: 2024-09-02. Review status: criteria provided, single submitter. Criteria: Invitae Variant Classification Sherloc (09022015). Collection method: clinical testing. Allele origin: germline.
Comment: This sequence change replaces tyrosine, which is neutral and polar, with serine, which is neutral and polar, at codon 1002 of the COL6A2 protein (p.Tyr1002Ser). This variant is not present in population databases (gnomAD no frequency). This variant has not been reported in the literature in individuals affected with COL6A2-related conditions. Invitae Evidence Modeling of protein sequence and biophysical properties (such as structural, functional, and spatial information, amino acid conservation, physicochemical variation, residue mobility, and thermodynamic stability) indicates that this missense variant is not expected to disrupt COL6A2 protein function with a negative predictive value of 95%. In summary, the available evidence is currently insufficient to determine the role of this variant in disease. Therefore, it has been classified as a Variant of Uncertain Significance.

NM_001849.4(COL6A2):c.3005A>C (p.Tyr1002Ser)

Gene: COL6A2 (collagen type VI alpha 2 chain; plus strand). Cytogenetic location: 21q22.3.
Variant type: single nucleotide variant.
Coding change: c.3005A>C on transcript NM_001849.4 (MANE Select); coding-DNA position 3005, A replaced by C.
Protein change: p.Tyr1002Ser; replaces tyrosine 1002 with serine.
Molecular consequence: missense variant.
Genome position (GRCh38, 1-based): chr21:46,132,497, A>C. VCF-style: chr21-46132497-A-C. GRCh37 (hg19) VCF-style: chr21-47552411-A-C.
Other names: short protein forms Y1002S.
Identifiers: ClinVar variation 3707695 (VCV003707695.3).